The following is an entry in ClinVar:

NM_000222.3(KIT):c.1539A>T (p.Lys513Asn)

Gene: KIT (KIT proto-oncogene, receptor tyrosine kinase; plus strand). Cytogenetic location: 4q12.
Variant type: single nucleotide variant.
Coding change: c.1539A>T on transcript NM_000222.3 (MANE Select); coding-DNA position 1539, A replaced by T.
Protein change: p.Lys513Asn; replaces lysine 513 with asparagine.
Molecular consequence: missense variant. On other transcripts: intron variant (4).
Genome position (GRCh38, 1-based): chr4:54,726,049, A>T. VCF-style: chr4-54726049-A-T. GRCh37 (hg19) VCF-style: chr4-55592215-A-T.
Other names: c.1542A>T, p.Lys514Asn (NM_001385284.1, NM_001385290.1); c.1539A>T, p.Lys513Asn (NM_001385285.1); c.1531+11A>T (NM_001385288.1, NM_001385292.1); c.1528+11A>T (NM_001093772.2, NM_001385286.1); short protein forms K513N, K514N.
Identifiers: ClinVar variation 1774768 (VCV001774768.2), dbSNP rs1560416214, ClinGen allele CA356906761.

ClinVar aggregate classification (germline): Uncertain significance (1 of 4 stars; one submission).

Conditions:
Hereditary cancer-predisposing syndrome. Also called: Hereditary Cancer Syndrome; Hereditary neoplastic syndrome; Neoplastic Syndromes, Hereditary; Tumor predisposition. Identifiers: Orphanet 140162, MedGen C0027672, MeSH D009386, MONDO:0015356.

Submission:

Ambry Genetics
Classification: Uncertain significance for Hereditary cancer-predisposing syndrome. Last evaluated: 2021-06-30. Review status: criteria provided, single submitter. Criteria: Ambry Variant Classification Scheme 2023. Collection method: clinical testing. Allele origin: germline.
Comment: The p.K513N variant (also known as c.1539A>T), located in coding exon 9 of the KIT gene, results from an A to T substitution at nucleotide position 1539. The lysine at codon 513 is replaced by asparagine, an amino acid with similar properties. This amino acid position is well conserved in available vertebrate species. In addition, this alteration is predicted to be tolerated by in silico analysis. Since supporting evidence is limited at this time, the clinical significance of this alteration remains unclear.